The following is an entry in ClinVar:

ClinVar aggregate classification (germline): Uncertain significance. Review status: criteria provided, multiple submitters, no conflicts (2 of 4 stars). 2 submissions from 2 submitters: Uncertain significance (2). Last evaluated 2024-03-04.

Conditions:
Inborn genetic diseases. Identifiers: MedGen C0950123, MeSH D030342.

Allele frequency attached by ClinVar (database versions not stated): ExAC 0.00001; gnomAD 0.00001; gnomAD exomes 0.00001; 1000 Genomes Project 30x 0.00016; 1000 Genomes Project 0.00020.
gnomAD v4.1: 8 of 1,614,208 alleles (0.0005%); highest among the groups gnomAD compares: African/African-American, 0.0013%; no homozygotes.

Submissions (2):

Ambry Genetics
Classification: Uncertain significance for Inborn genetic diseases. Last evaluated: 2024-03-04. Review status: criteria provided, single submitter. Criteria: Ambry Variant Classification Scheme 2023. Collection method: clinical testing. Allele origin: germline.

Labcorp Genetics (formerly Invitae), Labcorp
Classification: Uncertain significance. Last evaluated: 2024-01-10. Review status: criteria provided, single submitter. Criteria: Invitae Variant Classification Sherloc (09022015). Collection method: clinical testing. Allele origin: germline.
Comment: This sequence change replaces arginine, which is basic and polar, with glycine, which is neutral and non-polar, at codon 395 of the FGB protein (p.Arg395Gly). This variant is present in population databases (rs569380660, gnomAD 0.007%). This variant has not been reported in the literature in individuals affected with FGB-related conditions. Advanced modeling of protein sequence and biophysical properties (such as structural, functional, and spatial information, amino acid conservation, physicochemical variation, residue mobility, and thermodynamic stability) performed at Invitae indicates that this missense variant is not expected to disrupt FGB protein function with a negative predictive value of 80%. In summary, the available evidence is currently insufficient to determine the role of this variant in disease. Therefore, it has been classified as a Variant of Uncertain Significance.

NM_005141.5(FGB):c.1183A>G (p.Arg395Gly)

Gene: FGB (fibrinogen beta chain; plus strand). Cytogenetic location: 4q31.3.
Variant type: single nucleotide variant.
Coding change: c.1183A>G on transcript NM_005141.5 (MANE Select); coding-DNA position 1183, A replaced by G.
Protein change: p.Arg395Gly; replaces arginine 395 with glycine.
Molecular consequence: missense variant. On other transcripts: intron variant (1).
Genome position (GRCh38, 1-based): chr4:154,569,738, A>G. VCF-style: chr4-154569738-A-G. GRCh37 (hg19) VCF-style: chr4-155490890-A-G.
Other names: c.1006A>G, p.Arg336Gly (NM_001184741.1); c.1051A>G, p.Arg351Gly (NM_001382759.1); c.1183A>G, p.Arg395Gly (NM_001382760.1, NM_001382761.1, NM_001382765.1); c.883A>G, p.Arg295Gly (NM_001382762.1); c.1174A>G, p.Arg392Gly (NM_001382763.1); c.1081-35A>G (NM_001382764.1); short protein forms R392G, R395G, R295G, R336G, R351G.
Identifiers: ClinVar variation 2894862 (VCV002894862.4), dbSNP rs569380660, ClinGen allele CA3114736.